The following is an entry in ClinVar:

NM_003737.4(DCHS1):c.1270G>A (p.Val424Met)

Gene: DCHS1 (dachsous cadherin-related 1; minus strand). Cytogenetic location: 11p15.4.
Variant type: single nucleotide variant.
Coding change: c.1270G>A on transcript NM_003737.4 (MANE Select); coding-DNA position 1270, G replaced by A.
Protein change: p.Val424Met; replaces valine 424 with methionine.
Molecular consequence: missense variant.
Genome position (GRCh38, 1-based): chr11:6,640,344, C>T on the plus strand (G>A on the coding strand, the complement: DCHS1 is on the minus strand). VCF-style: chr11-6640344-C-T. GRCh37 (hg19) VCF-style: chr11-6661575-C-T.
Other names: c.1270G>A (NM_003737.2); short protein forms V424M.
Identifiers: ClinVar variation 2898856 (VCV002898856.4), dbSNP rs759938374, ClinGen allele CA5860999.

ClinVar aggregate classification (germline): Uncertain significance. Review status: criteria provided, multiple submitters, no conflicts (2 of 4 stars). 2 submissions from 2 submitters: Uncertain significance (2). Last evaluated 2025-08-07.

Conditions:
Inborn genetic diseases. Identifiers: MedGen C0950123, MeSH D030342.

Allele frequency attached by ClinVar (database versions not stated): gnomAD 0.00001.
gnomAD v4.1: 46 of 1,612,504 alleles (0.0029%); highest among the groups gnomAD compares: Non-Finnish European, 0.0039%; no homozygotes.

Submissions (2):

Ambry Genetics
Classification: Uncertain significance for Inborn genetic diseases. Last evaluated: 2025-08-07. Review status: criteria provided, single submitter. Criteria: Ambry Variant Classification Scheme 2023. Collection method: clinical testing. Allele origin: germline.

Labcorp Genetics (formerly Invitae), Labcorp
Classification: Uncertain significance. Last evaluated: 2025-04-27. Review status: criteria provided, single submitter. Criteria: Invitae Variant Classification Sherloc (09022015). Collection method: clinical testing. Allele origin: germline.
Comment: This sequence change replaces valine, which is neutral and non-polar, with methionine, which is neutral and non-polar, at codon 424 of the DCHS1 protein (p.Val424Met). This variant is present in population databases (rs759938374, gnomAD 0.004%). This variant has not been reported in the literature in individuals affected with DCHS1-related conditions. ClinVar contains an entry for this variant (Variation ID: 2898856). Invitae Evidence Modeling of protein sequence and biophysical properties (such as structural, functional, and spatial information, amino acid conservation, physicochemical variation, residue mobility, and thermodynamic stability) indicates that this missense variant is expected to disrupt DCHS1 protein function with a positive predictive value of 80%. In summary, the available evidence is currently insufficient to determine the role of this variant in disease. Therefore, it has been classified as a Variant of Uncertain Significance.